The following is an entry in ClinVar:

NM_001308093.3(GATA4):c.1149+6C>T

Gene: GATA4 (GATA binding protein 4). Cytogenetic location: 8p23.1.
Variant type: single nucleotide variant.
Coding change: c.1149+6C>T on transcript NM_001308093.3 (MANE Select); 6 bases into the intron after coding-DNA position 1149, C replaced by T.
Molecular consequence: intron variant.
Genome position (GRCh38, 1-based): chr8:11,757,089, C>T. VCF-style: chr8-11757089-C-T. GRCh37 (hg19) VCF-style: chr8-11614598-C-T.
Other names: c.528+6C>T (NM_001308094.2, NM_001374273.1); c.1146+6C>T (NM_002052.5); c.402+6C>T (NM_001374274.1).
Identifiers: ClinVar variation 655908 (VCV000655908.11), dbSNP rs572050627, ClinGen allele CA4630842.

ClinVar aggregate classification (germline): Uncertain significance (1 of 4 stars; one submission).

Conditions:
Atrioventricular septal defect 4 (AVSD4). Identifiers: MedGen C3280781, MONDO:0013747, OMIM 614430.

Allele frequency attached by ClinVar (database versions not stated): gnomAD exomes 0.00001 and 0.00004; gnomAD 0.00003; TOPMed 0.00003; ExAC 0.00008; 1000 Genomes Project 0.00020; 1000 Genomes Project 30x 0.00031.
gnomAD v4.1: 26 of 1,613,412 alleles (0.0016%); highest among the groups gnomAD compares: African/African-American, 0.008%; no homozygotes.

Submission:

Labcorp Genetics (formerly Invitae), Labcorp
Classification: Uncertain significance for Atrioventricular septal defect 4. Last evaluated: 2025-08-26. Review status: criteria provided, single submitter. Criteria: Invitae Variant Classification Sherloc (09022015). Collection method: clinical testing. Allele origin: germline.
Comment: This sequence change falls in intron 6 of the GATA4 gene. It does not directly change the encoded amino acid sequence of the GATA4 protein. It affects a nucleotide within the consensus splice site. This variant is present in population databases (rs572050627, gnomAD 0.01%). This variant has not been reported in the literature in individuals affected with GATA4-related conditions. ClinVar contains an entry for this variant (Variation ID: 655908). Variants that disrupt the consensus splice site are a relatively common cause of aberrant splicing (PMID: 17576681, 9536098). Algorithms developed to predict the effect of sequence changes on RNA splicing suggest that this variant is not likely to affect RNA splicing. In summary, the available evidence is currently insufficient to determine the role of this variant in disease. Therefore, it has been classified as a Variant of Uncertain Significance.

Literature cited by the submitters: PubMed 17576681; PubMed 9536098.